The following is an entry in ClinVar:

ClinVar aggregate classification (germline): Pathogenic/Likely pathogenic. Review status: criteria provided, multiple submitters, no conflicts (2 of 4 stars). 7 submissions from 7 submitters: Pathogenic (5); Likely pathogenic (2). Last evaluated 2025-12-16.

Conditions:
Cardiovascular phenotype. Identifiers: MedGen CN230736.
Hereditary cancer-predisposing syndrome. Also called: Hereditary neoplastic syndrome; Neoplastic Syndromes, Hereditary; Hereditary Cancer Syndrome; Tumor predisposition. Identifiers: Orphanet 140162, MedGen C0027672, MeSH D009386, MONDO:0015356.
Neurofibromatosis, type 1 (NF1). Also called: Neurofibromatosis, type I; Peripheral type neurofibromatosis; NEUROFIBROMATOSIS, TYPE I, SOMATIC; VON RECKLINGHAUSEN DISEASE. Identifiers: Orphanet 636, MedGen C0027831, MONDO:0018975, OMIM 162200. Disease mechanism: loss of function.
NF1-related disorder. Also called: NF1-related condition. Identifiers: MedGen CN379171.

Submissions (7):

Myriad Genetics, Inc.
Classification: Likely pathogenic for Neurofibromatosis, type 1. Last evaluated: 2025-12-16. Review status: criteria provided, single submitter. Criteria: Myriad Autosomal Dominant, Autosomal Recessive and X-Linked Classification Criteria (2023). Collection method: clinical testing. Allele origin: unknown.
Comment: This variant is considered likely pathogenic. This variant has been reported in multiple individuals with clinical features of gene-specific disease [PMID: 26740943, Myriad internal data]. mRNA analysis has demonstrated abnormal mRNA splicing occurs [PMID: 26740943].

Labcorp Genetics (formerly Invitae), Labcorp
Classification: Pathogenic for Neurofibromatosis, type 1. Last evaluated: 2024-08-21. Review status: criteria provided, single submitter. Criteria: Invitae Variant Classification Sherloc (09022015). Collection method: clinical testing. Allele origin: germline.
Comment: This sequence change affects codon 615 of the NF1 mRNA. It is a 'silent' change, meaning that it does not change the encoded amino acid sequence of the NF1 protein. RNA analysis indicates that this variant induces altered splicing and may result in an absent or altered protein product. This variant is not present in population databases (gnomAD no frequency). This variant has been observed in individual(s) with clinical features of neurofibromatosis, type 1 (PMID: 26740943; internal data). ClinVar contains an entry for this variant (Variation ID: 578879). Variants that disrupt the consensus splice site are a relatively common cause of aberrant splicing (PMID: 17576681, 9536098). Studies have shown that this variant results in disrupted mRNA splicing, and produces a non-functional protein and/or introduces a premature termination codon (PMID: 26740943). This variant disrupts the p.Lys615 nucleotide in the NF1 gene. Other variant(s) that disrupt this nucleotide have been determined to be pathogenic (PMID: 18546366, 23322702, 25541118, 28422438, 29673180). This suggests that this nucleotide is clinically significant, and that variants that disrupt this position are likely to be disease-causing. For these reasons, this variant has been classified as Pathogenic.

Genetics and Molecular Pathology, SA Pathology
Classification: Pathogenic for Neurofibromatosis, type 1. Last evaluated: 2023-01-22. Review status: criteria provided, single submitter. Criteria: ACMG Guidelines, 2015. Collection method: clinical testing. Allele origin: germline. Affected: yes.

Genome-Nilou Lab
Classification: Pathogenic for Neurofibromatosis, type 1. Last evaluated: 2022-03-15. Review status: criteria provided, single submitter. Criteria: ACMG Guidelines, 2015. Collection method: clinical testing. Allele origin: germline. Affected: no.

Blueprint Genetics
Classification: Likely pathogenic for NF1-related disorders. Last evaluated: 2022-02-14. Review status: criteria provided, single submitter. Criteria: ACMG Guidelines, 2015. Collection method: clinical testing. Allele origin: germline. Affected: yes. Observed: 1 variant allele.

Ambry Genetics
Classification: Pathogenic for Cardiovascular phenotype; Hereditary cancer-predisposing syndrome. Last evaluated: 2021-11-01. Review status: criteria provided, single submitter. Criteria: Ambry Variant Classification Scheme 2023. Collection method: clinical testing. Allele origin: germline.
Comment: The c.1845G>A pathogenic mutation (also known as p.K615K), located in coding exon 16 of the NF1 gene, results from a G to A substitution at nucleotide position 1845. This nucleotide substitution does not change the lysine at codon 615. However, this change occurs in the last base pair of coding exon 16, which makes it likely to have some effect on normal mRNA splicing. This mutation was detected in an individual with a clinical diagnosis or suspicion of neurofibromatosis type 1 (NF1) (Bianchessi D et al. Mol Genet Genomic Med, 2015 Nov;3:513-25). This nucleotide position is well conserved in available vertebrate species. In silico splice site analysis predicts that this alteration will weaken the native splice donor site. RNA studies have demonstrated that this mutation results in abnormal splicing (Bianchessi D et al. Mol Genet Genomic Med, 2015 Nov;3:513-25; Ambry internal data). Another alteration impacting the same donor site (c.1845G>T) has been detected in individuals with NF1 and shown to have a similar impact on splicing (Pros E et al. Hum Mutat, 2008 Sep;29:E173-93; Sabbagh A et al. Hum Mutat, 2013 Nov;34:1510-8). c.1845G>A is considered to be rare based on population cohorts in the Genome Aggregation Database (gnomAD). Based on the supporting evidence, this alteration is interpreted as a disease-causing mutation.

Institute of Medical Genetics and Applied Genomics, University Hospital Tübingen
Classification: Pathogenic. Last evaluated: 2021-06-17. Review status: criteria provided, single submitter. Criteria: ACMG Guidelines, 2015. Collection method: clinical testing. Allele origin: germline. Inheritance: Autosomal dominant inheritance. Affected: yes.

Literature cited by the submitters: PubMed 26740943 (cited by Myriad Genetics, Inc. and Labcorp Genetics (formerly Invitae), Labcorp); PubMed 17576681 (cited by Labcorp Genetics (formerly Invitae), Labcorp); PubMed 9536098 (cited by Labcorp Genetics (formerly Invitae), Labcorp); PubMed 18546366 (cited by Labcorp Genetics (formerly Invitae), Labcorp); PubMed 23322702 (cited by Labcorp Genetics (formerly Invitae), Labcorp); PubMed 25541118 (cited by Labcorp Genetics (formerly Invitae), Labcorp); PubMed 28422438 (cited by Labcorp Genetics (formerly Invitae), Labcorp); PubMed 29673180 (cited by Labcorp Genetics (formerly Invitae), Labcorp).

NM_001042492.3(NF1):c.1845G>A (p.Lys615=)

Gene: NF1 (neurofibromin 1; plus strand). Cytogenetic location: 17q11.2.
Variant type: single nucleotide variant.
Coding change: c.1845G>A on transcript NM_001042492.3 (MANE Select); coding-DNA position 1845, G replaced by A.
Protein change: p.Lys615=; no amino-acid change (lysine 615 retained).
Molecular consequence: synonymous variant.
Genome position (GRCh38, 1-based): chr17:31,223,567, G>A. VCF-style: chr17-31223567-G-A. GRCh37 (hg19) VCF-style: chr17-29550585-G-A.
Other names: c.1845G>A, p.Lys615= (NM_000267.4).
Identifiers: ClinVar variation 578879 (VCV000578879.18), dbSNP rs1131691080, ClinGen allele CA499229974.
Genomic context (GRCh38, chr17:31,223,567, plus strand): 5'-AATTCTCAAGTGGTTGCGGGAAATATTGATCTGCAGGAATAAATTTCTTCTTAAAAATAA[G>A]GTAAGCAAAATGACATATTTAAAAAATGGAAGAATATTTGGAATGGTAATGGTGAGAGAT-3'
Protein context (NP_001035957.1, residues 605-625): ICRNKFLLKN[Lys615=]QADRSSCHFL